The following is an entry in ClinVar:

NM_025081.3(NYNRIN):c.4906C>A (p.Leu1636Ile)

Gene: NYNRIN (NYN domain and retroviral integrase containing; plus strand). Cytogenetic location: 14q12.
Variant type: single nucleotide variant.
Coding change: c.4906C>A on transcript NM_025081.3 (MANE Select); coding-DNA position 4906, C replaced by A.
Protein change: p.Leu1636Ile; replaces leucine 1636 with isoleucine.
Molecular consequence: missense variant.
Genome position (GRCh38, 1-based): chr14:24,416,655, C>A. VCF-style: chr14-24416655-C-A. GRCh37 (hg19) VCF-style: chr14-24885861-C-A.
Other names: short protein forms L1636I.
Identifiers: ClinVar variation 2507555 (VCV002507555.4), dbSNP rs189237524, ClinGen allele CA7137520.

ClinVar aggregate classification (germline): Uncertain significance. Review status: criteria provided, multiple submitters, no conflicts (2 of 4 stars). 2 submissions from 2 submitters: Uncertain significance (2). Last evaluated 2025-10-13.

Allele frequency attached by ClinVar (database versions not stated): 1000 Genomes Project 0.00040; 1000 Genomes Project 30x 0.00047; ESP Exome Variant Server 0.00016; TOPMed 0.00022; ExAC 0.00028; gnomAD 0.00029.
gnomAD v4.1: 656 of 1,613,944 alleles (0.041%); highest among the groups gnomAD compares: Non-Finnish European, 0.052%; no homozygotes.

Submissions (2):

Labcorp Genetics (formerly Invitae), Labcorp
Classification: Uncertain significance. Last evaluated: 2025-10-13. Review status: criteria provided, single submitter. Criteria: Invitae Variant Classification Sherloc (09022015). Collection method: clinical testing. Allele origin: germline.
Comment: This sequence change replaces leucine, which is neutral and non-polar, with isoleucine, which is neutral and non-polar, at codon 1636 of the NYNRIN protein (p.Leu1636Ile). This variant is present in population databases (rs189237524, gnomAD 0.04%). This variant has not been reported in the literature in individuals affected with NYNRIN-related conditions. ClinVar contains an entry for this variant (Variation ID: 2507555). Experimental studies and prediction algorithms are not available or were not evaluated, and the functional significance of this variant is currently unknown. In summary, the available evidence is currently insufficient to determine the role of this variant in disease. Therefore, it has been classified as a Variant of Uncertain Significance.

Ambry Genetics
Classification: Uncertain significance. Last evaluated: 2025-08-01. Review status: criteria provided, single submitter. Criteria: Ambry Variant Classification Scheme 2023. Collection method: clinical testing. Allele origin: germline.